The following is an entry in ClinVar:

ClinVar aggregate classification (germline): Pathogenic (1 of 4 stars; one submission).

gnomAD v4.1: 99 of 1,611,702 alleles (0.0061%); highest among the groups gnomAD compares: Non-Finnish European, 0.0081%; no homozygotes.

Submission:

Centre for Clinical Genetics and Genomic Diagnostics, Zealand University Hospital
Classification: Pathogenic. Last evaluated: 2025-09-09. Review status: criteria provided, single submitter. Criteria: ACMG Guidelines, 2015. Collection method: clinical testing. Allele origin: germline. Affected: yes.
Comment: Compound heterozygous

NM_012144.4(DNAI1):c.501+85G>C

Gene: DNAI1 (dynein axonemal intermediate chain 1; plus strand). Cytogenetic location: 9p13.3.
Variant type: single nucleotide variant.
Coding change: c.501+85G>C on transcript NM_012144.4 (MANE Select); 85 bases into the intron after coding-DNA position 501, G replaced by C.
Molecular consequence: intron variant.
Genome position (GRCh38, 1-based): chr9:34,490,209, G>C. VCF-style: chr9-34490209-G-C. GRCh37 (hg19) VCF-style: chr9-34490207-G-C.
Other names: c.513+85G>C (NM_001281428.2).
Identifiers: ClinVar variation 4526740 (VCV004526740.1).